The following is an entry in ClinVar:

NM_001042492.3(NF1):c.2339C>G (p.Thr780Arg)

Gene: NF1 (neurofibromin 1; plus strand). Cytogenetic location: 17q11.2.
Variant type: single nucleotide variant.
Coding change: c.2339C>G on transcript NM_001042492.3 (MANE Select); coding-DNA position 2339, C replaced by G.
Protein change: p.Thr780Arg; replaces threonine 780 with arginine.
Molecular consequence: missense variant.
Genome position (GRCh38, 1-based): chr17:31,227,536, C>G. VCF-style: chr17-31227536-C-G. GRCh37 (hg19) VCF-style: chr17-29554554-C-G.
Other names: c.2339C>G, p.Thr780Arg (NM_000267.4); short protein forms T780R.
Identifiers: ClinVar variation 457581 (VCV000457581.16), dbSNP rs199474746, ClinGen allele CA398983055.

ClinVar aggregate classification (germline): Pathogenic/Likely pathogenic. Review status: criteria provided, multiple submitters, no conflicts (2 of 4 stars). 10 submissions from 10 submitters: Pathogenic (4); Likely pathogenic (5). 1 of the submissions does not count toward it. Last evaluated 2026-02-23.

Conditions:
Juvenile myelomonocytic leukemia (JMML). Also called: LEUKEMIA, JUVENILE MYELOMONOCYTIC, SOMATIC. Identifiers: Orphanet 86834, MedGen C0349639, MONDO:0011908, OMIM 607785, HP:0012209.
Neurofibromatosis, type 1 (NF1). Also called: Neurofibromatosis, type I; Peripheral type neurofibromatosis; VON RECKLINGHAUSEN DISEASE; NEUROFIBROMATOSIS, TYPE I, SOMATIC. Identifiers: Orphanet 636, MedGen C0027831, MONDO:0018975, OMIM 162200. Disease mechanism: loss of function.
Café-au-lait macules with pulmonary stenosis (WTSN). Also called: PULMONIC STENOSIS WITH CAFE-AU-LAIT SPOTS. Identifiers: MedGen C0553586, MONDO:0008672, OMIM 193520.
Neurofibromatosis, familial spinal (FSNF). Identifiers: Orphanet 636, MedGen C1834235, MONDO:0008078, OMIM 162210. Disease mechanism: loss of function.
Neurofibromatosis-Noonan syndrome (NFNS). Also called: NEUROFIBROMATOSIS WITH NOONAN PHENOTYPE. Identifiers: Orphanet 638, MedGen C2931482, MONDO:0011035, OMIM 601321. Disease mechanism: loss of function.
Cardiovascular phenotype. Identifiers: MedGen CN230736.
Hereditary cancer-predisposing syndrome. Also called: Neoplastic Syndromes, Hereditary; Tumor predisposition; Hereditary neoplastic syndrome; Hereditary Cancer Syndrome. Identifiers: Orphanet 140162, MedGen C0027672, MeSH D009386, MONDO:0015356.

Submissions (10):

GeneDx
Classification: Pathogenic. Last evaluated: 2026-02-23. Review status: criteria provided, single submitter. Criteria: GeneDx Variant Classification Process June 2021. Collection method: clinical testing. Allele origin: germline.
Comment: Observed in individuals with clinical features consistent with NF1-related neurofibromatosis in the published literature (PMID: 16786508, 16944272, 31370276, 35456261); In silico analysis supports that this missense variant has a deleterious effect on protein structure/function; Not observed at significant frequency in large population cohorts (gnomAD); This variant is associated with the following publications: (PMID: 16944272, 24803665, 31370276, 30586318, 35456261, 16786508, 25486365, 39944418)

Labcorp Genetics (formerly Invitae), Labcorp
Classification: Pathogenic for Neurofibromatosis, type 1. Last evaluated: 2025-10-15. Review status: criteria provided, single submitter. Criteria: Invitae Variant Classification Sherloc (09022015). Collection method: clinical testing. Allele origin: germline.
Comment: This sequence change replaces threonine, which is neutral and polar, with arginine, which is basic and polar, at codon 780 of the NF1 protein (p.Thr780Arg). This variant is not present in population databases (gnomAD no frequency). This missense change has been observed in individuals with neurofibromatosis type 1 (PMID: 16786508, 16944272, 31370276; internal data). Invitae Evidence Modeling of clinical and family history, age, sex, and reported ancestry of multiple individuals with this NF1 variant has been performed. This variant is expected to be pathogenic with a positive predictive value of at least 99%. This is a validated machine learning model that incorporates the clinical features of 1,785,918 individuals referred to our laboratory for NF1 testing. ClinVar contains an entry for this variant (Variation ID: 457581). Invitae Evidence Modeling of protein sequence and biophysical properties (such as structural, functional, and spatial information, amino acid conservation, physicochemical variation, residue mobility, and thermodynamic stability) indicates that this missense variant is expected to disrupt NF1 protein function with a positive predictive value of 95%. This variant disrupts the p.Thr780 amino acid residue in NF1. Other variant(s) that disrupt this residue have been determined to be pathogenic (PMID: 10712197, 11735023, 12552569, 15146469, 16944272, 26478990; internal data). This suggests that this residue is clinically significant, and that variants that disrupt this residue are likely to be disease-causing. For these reasons, this variant has been classified as Pathogenic.

Medical and Scientific Branch, Hong Kong Genome Institute
Classification: Likely pathogenic for Neurofibromatosis, type 1. Last evaluated: 2025-10-11. Review status: criteria provided, single submitter. Criteria: ACMG Guidelines, 2015. Collection method: clinical testing. Allele origin: de novo. Affected: yes.

Ambry Genetics
Classification: Likely pathogenic for Cardiovascular phenotype; Hereditary cancer-predisposing syndrome. Last evaluated: 2024-01-30. Review status: criteria provided, single submitter. Criteria: Ambry Variant Classification Scheme 2023. Collection method: clinical testing. Allele origin: germline.
Comment: The p.T780R variant (also known as c.2339C>G), located in coding exon 20 of the NF1 gene, results from a C to G substitution at nucleotide position 2339. The threonine at codon 780 is replaced by arginine, an amino acid with similar properties. This alteration has been identified in multiple individuals with a clinical diagnosis of neurofibromatosis type 1 (NF1) (Upadhyaya M et al. Hum. Mutat., 2006 Jul;27:716; Griffiths S et al. Fam. Cancer, 2007;6:21-34; Giugliano T et al. Genes (Basel), 2019 07;10; Ambry internal data). This variant was not reported in population-based cohorts in the Genome Aggregation Database (gnomAD). This amino acid position is highly conserved in available vertebrate species. In addition, this alteration is predicted to be deleterious by in silico analysis. Based on the majority of available evidence to date, this variant is likely to be pathogenic.

Institute of Medical Genetics and Applied Genomics, University Hospital Tübingen
Classification: Likely pathogenic for Neurofibromatosis, type 1. Last evaluated: 2022-12-22. Review status: criteria provided, single submitter. Criteria: ACMG Guidelines, 2015. Collection method: clinical testing. Allele origin: germline. Inheritance: Autosomal dominant inheritance. Affected: yes.

Baylor Genetics
Classification: Likely pathogenic for Juvenile myelomonocytic leukemia. Last evaluated: 2022-04-26. Review status: criteria provided, single submitter. Criteria: ACMG Guidelines, 2015. Collection method: clinical testing. Allele origin: unknown.

Fulgent Genetics
Classification: Likely pathogenic for Neurofibromatosis, type 1; Neurofibromatosis, familial spinal; Café-au-lait macules with pulmonary stenosis; Neurofibromatosis-Noonan syndrome; Juvenile myelomonocytic leukemia. Last evaluated: 2022-04-10. Review status: criteria provided, single submitter. Criteria: ACMG Guidelines, 2015. Collection method: clinical testing. Allele origin: unknown.

Genome-Nilou Lab
Classification: Pathogenic for Neurofibromatosis, type 1. Last evaluated: 2022-03-15. Review status: criteria provided, single submitter. Criteria: ACMG Guidelines, 2015. Collection method: clinical testing. Allele origin: germline. Affected: no.

Center for Human Genetics, Inc
Classification: Pathogenic for Neurofibromatosis, type 1. Last evaluated: 2016-11-01. Review status: criteria provided, single submitter. Criteria: ACMG Guidelines, 2015. Collection method: clinical testing. Allele origin: germline. Affected: yes.

Gharavi Laboratory, Columbia University
Classification: Likely pathogenic. Last evaluated: 2018-09-16. Review status: no assertion criteria provided. Criteria: ACMG Guidelines, 2015. Collection method: research. Allele origin: germline. Affected: yes. Not counted in ClinVar's aggregate classification.

Literature cited by the submitters: PubMed 16786508 (cited by Labcorp Genetics (formerly Invitae), Labcorp); PubMed 16944272 (cited by Labcorp Genetics (formerly Invitae), Labcorp); PubMed 31370276 (cited by Labcorp Genetics (formerly Invitae), Labcorp); PubMed 10712197 (cited by Labcorp Genetics (formerly Invitae), Labcorp); PubMed 11735023 (cited by Labcorp Genetics (formerly Invitae), Labcorp); PubMed 12552569 (cited by Labcorp Genetics (formerly Invitae), Labcorp); PubMed 15146469 (cited by Labcorp Genetics (formerly Invitae), Labcorp); PubMed 26478990 (cited by Labcorp Genetics (formerly Invitae), Labcorp).